The following is an entry in ClinVar:

ClinVar aggregate classification (germline): Uncertain significance (1 of 4 stars; one submission).

gnomAD v4.1: 2 of 1,614,194 alleles (0.00012%); highest among the groups gnomAD compares: East Asian, 0.0045%; no homozygotes.

Submission:

GeneDx
Classification: Uncertain significance. Last evaluated: 2024-06-05. Review status: criteria provided, single submitter. Criteria: GeneDx Variant Classification Process June 2021. Collection method: clinical testing. Allele origin: germline. Affected: yes.
Comment: Not observed at significant frequency in large population cohorts (gnomAD); In silico analysis indicates that this missense variant does not alter protein structure/function; Has not been previously published as pathogenic or benign to our knowledge

NM_152564.5(VPS13B):c.10196C>T (p.Ala3399Val)

Gene: VPS13B (vacuolar protein sorting 13 homolog B; plus strand). Cytogenetic location: 8q22.2.
Variant type: single nucleotide variant.
Coding change: c.10196C>T on transcript NM_152564.5 (MANE Select); coding-DNA position 10196, C replaced by T.
Protein change: p.Ala3399Val; replaces alanine 3399 with valine.
Molecular consequence: missense variant.
Genome position (GRCh38, 1-based): chr8:99,853,585, C>T. VCF-style: chr8-99853585-C-T. GRCh37 (hg19) VCF-style: chr8-100865813-C-T.
Other names: c.10271C>T, p.Ala3424Val (NM_017890.5); short protein forms A3399V, A3424V.
Identifiers: ClinVar variation 3384617 (VCV003384617.1).
Genomic context (GRCh38, chr8:99,853,585, plus strand): 5'-ACCACAAAGCATCAGCTGAGCTTCTGAGACTCACACTGGACAACATTTTTCTCTGTGTGG[C>T]CCCGGGAGCTGGTCCCCTCCCTGGGGAAGAGCCTGTGGCTGCGTTGTTTGAACTTTACTG-3'
Protein context (NP_689777.3, residues 3389-3409): LTLDNIFLCV[Ala3399Val]PGAGPLPGEE